The following is an entry in ClinVar:

ClinVar aggregate classification (germline): Conflicting classifications of pathogenicity. Review status: criteria provided, conflicting classifications (1 of 4 stars). 4 submissions from 3 submitters: Uncertain significance (2); Benign (2). Last evaluated 2026-05-04.

Conditions:
Branchiootorenal syndrome 1. Also called: Branchio-Oto-Renal Syndrome 1. Identifiers: Orphanet 107, MedGen C4551702, MONDO:0007236, OMIM 113650.
Branchiootic syndrome 1 (BOS1). Also called: BO SYNDROME 1; BRANCHIOOTIC DYSPLASIA. Identifiers: MedGen C1865143, MONDO:0011258, OMIM 602588.
Otofaciocervical syndrome 1 (OTFCS). Identifiers: MedGen C3714941, MONDO:0024532, OMIM 166780.
EYA1-related disorder. Also called: EYA1-related condition.

Allele frequency attached by ClinVar (database versions not stated): TOPMed 0.00002; gnomAD 0.00007 and 0.00002; gnomAD exomes 0.00012 and 0.00002; 1000 Genomes Project 30x 0.00016; 1000 Genomes Project 0.00020; ExAC 0.00002.
gnomAD v4.1: 184 of 1,614,176 alleles (0.011%); highest among the groups gnomAD compares: East Asian, 0.41%; 4 homozygotes.

Submissions (4):

PreventionGenetics, part of Exact Sciences
Classification: Uncertain significance for EYA1-related condition. Last evaluated: 2026-05-04. Review status: criteria provided, single submitter. Criteria: ACMG Guidelines, 2015. Collection method: clinical testing. Allele origin: germline.
Comment: The EYA1 c.724A>G variant is predicted to result in the amino acid substitution p.Ser242Gly. This variant was reported in two individuals with branchiootorenal syndrome (described as c.625A>G, Yashima et al. 2003. PubMed ID: 12701758; Wang et al. 2012. PubMed ID: 22447252). This variant is reported in 0.022% of alleles in individuals of East Asian descent in gnomAD, including four homozygotes in the larger gnomAD v4.1.1 database. At this time, the clinical significance of this variant is uncertain due to the absence of conclusive functional and genetic evidence.

Fulgent Genetics
Classification: Uncertain significance for Branchiootorenal syndrome 1; Otofaciocervical syndrome 1; Branchiootic syndrome 1. Last evaluated: 2023-12-31. Review status: criteria provided, single submitter. Criteria: ACMG Guidelines, 2015. Collection method: clinical testing. Allele origin: germline.

Illumina Laboratory Services, Illumina
Classification: Benign for Branchiootic syndrome. Last evaluated: 2017-06-12. Review status: criteria provided, single submitter. Criteria: ICSL Variant Classification Criteria 13 December 2019. Collection method: clinical testing. Allele origin: germline.
Comment: This variant was observed as part of a predisposition screen in an ostensibly healthy population. A literature search was performed for the gene, cDNA change, and amino acid change (where applicable). Publications were found based on this search. The evidence from the literature, in combination with allele frequency data from public databases where available, was sufficient to rule this variant out of causing disease. Therefore, this variant is classified as benign.

Illumina Laboratory Services, Illumina
Classification: Benign for Otofaciocervical syndrome 1. Last evaluated: 2017-06-12. Review status: criteria provided, single submitter. Criteria: ICSL Variant Classification Criteria 13 December 2019. Collection method: clinical testing. Allele origin: germline.
Comment: This variant was observed as part of a predisposition screen in an ostensibly healthy population. A literature search was performed for the gene, cDNA change, and amino acid change (where applicable). No publications were found based on this search. Allele frequency data from public databases was too high to be consistent with this variant causing disease. Therefore, this variant is classified as benign.

Literature cited by the submitters: PubMed 12701758 (cited by Illumina Laboratory Services, Illumina); PubMed 22447252 (cited by Illumina Laboratory Services, Illumina).

NM_000503.6(EYA1):c.724A>G (p.Ser242Gly)

Gene: EYA1 (EYA transcriptional coactivator and phosphatase 1; minus strand). Cytogenetic location: 8q13.3.
Variant type: single nucleotide variant.
Coding change: c.724A>G on transcript NM_000503.6 (MANE Select); coding-DNA position 724, A replaced by G.
Protein change: p.Ser242Gly; replaces serine 242 with glycine.
Molecular consequence: missense variant.
Genome position (GRCh38, 1-based): chr8:71,299,149, T>C on the plus strand (A>G on the coding strand, the complement: EYA1 is on the minus strand). VCF-style: chr8-71299149-T-C. GRCh37 (hg19) VCF-style: chr8-72211384-T-C.
Other names: c.706A>G, p.Ser236Gly (NM_001288574.2); c.358A>G, p.Ser120Gly (NM_001288575.2); c.811A>G, p.Ser271Gly (NM_001370333.1); c.724A>G, p.Ser242Gly (NM_001370334.1, NM_001370335.1, NM_172058.4); c.793A>G, p.Ser265Gly (NM_001370336.1); c.796A>G, p.Ser266Gly (NM_172059.5); c.724A>G (NM_172058.3); short protein forms S120G, S236G, S242G, S265G, S266G, S271G.
Identifiers: ClinVar variation 911724 (VCV000911724.6), dbSNP rs191838840, ClinGen allele CA4779679.